The following is an entry in ClinVar:

NM_020964.3(EPG5):c.4726C>T (p.Arg1576Cys)

Gene: EPG5 (ectopic P-granules 5 autophagy tethering factor; minus strand). Cytogenetic location: 18q12.3.
Variant type: single nucleotide variant.
Coding change: c.4726C>T on transcript NM_020964.3 (MANE Select); coding-DNA position 4726, C replaced by T.
Protein change: p.Arg1576Cys; replaces arginine 1576 with cysteine.
Molecular consequence: missense variant.
Genome position (GRCh38, 1-based): chr18:45,899,487, G>A on the plus strand (C>T on the coding strand, the complement: EPG5 is on the minus strand). VCF-style: chr18-45899487-G-A. GRCh37 (hg19) VCF-style: chr18-43479452-G-A.
Other names: short protein forms R1576C.
Identifiers: ClinVar variation 1447861 (VCV001447861.4), dbSNP rs1261427390, ClinGen allele CA402336927.

ClinVar aggregate classification (germline): Uncertain significance (1 of 4 stars; one submission).

Conditions:
Vici syndrome (VICIS). Identifiers: Orphanet 1493, MedGen C1855772, MONDO:0009452, OMIM 242840.

Allele frequency attached by ClinVar (database versions not stated): gnomAD exomes below 0.00001; gnomAD 0.00001; TOPMed 0.00002.
gnomAD v4.1: 7 of 1,614,040 alleles (0.00043%); highest among the groups gnomAD compares: African/African-American, 0.0027%; no homozygotes.

Submission:

Labcorp Genetics (formerly Invitae), Labcorp
Classification: Uncertain significance for Vici syndrome. Last evaluated: 2022-10-24. Review status: criteria provided, single submitter. Criteria: Invitae Variant Classification Sherloc (09022015). Collection method: clinical testing. Allele origin: germline.
Comment: This sequence change replaces arginine, which is basic and polar, with cysteine, which is neutral and slightly polar, at codon 1576 of the EPG5 protein (p.Arg1576Cys). This variant is present in population databases (no rsID available, gnomAD 0.003%). This variant has not been reported in the literature in individuals affected with EPG5-related conditions. ClinVar contains an entry for this variant (Variation ID: 1447861). Advanced modeling of protein sequence and biophysical properties (such as structural, functional, and spatial information, amino acid conservation, physicochemical variation, residue mobility, and thermodynamic stability) performed at Invitae indicates that this missense variant is expected to disrupt EPG5 protein function. In summary, the available evidence is currently insufficient to determine the role of this variant in disease. Therefore, it has been classified as a Variant of Uncertain Significance.